The following is an entry in ClinVar:

ClinVar aggregate classification (germline): Likely pathogenic. Review status: criteria provided, multiple submitters, no conflicts (2 of 4 stars). 3 submissions from 3 submitters: Likely pathogenic (2). 1 of the submissions does not count toward it. Last evaluated 2024-09-22.

Conditions:
Ciliary dyskinesia, primary, 44. Also called: CILIARY DYSKINESIA, PRIMARY, 44, WITHOUT SITUS INVERSUS. Identifiers: MedGen C5394063, MONDO:0032914, OMIM 618781.

Allele frequency attached by ClinVar (database versions not stated): gnomAD exomes below 0.00001.
gnomAD v4.1: 2 of 1,606,764 alleles (0.00012%); highest among the groups gnomAD compares: South Asian, 0.0011%; no homozygotes.

Submissions (3):

Genomic Medicine Center of Excellence, King Faisal Specialist Hospital and Research Centre
Classification: Likely pathogenic for Ciliary dyskinesia, primary, 44. Last evaluated: 2024-09-22. Review status: criteria provided, single submitter. Criteria: ACMG Guidelines, 2015. Collection method: clinical testing. Allele origin: germline.

GeneDx
Classification: Likely pathogenic. Last evaluated: 2024-06-25. Review status: criteria provided, single submitter. Criteria: GeneDx Variant Classification Process June 2021. Collection method: clinical testing. Allele origin: germline. Affected: yes.
Comment: Intronic variant directly or indirectly altering the +5 splice site in a gene for which loss of function is a known mechanism of disease, and splice predictors support a deleterious effect; Not observed at significant frequency in large population cohorts (gnomAD); This variant is associated with the following publications: (PMID: 31959991)

OMIM
Classification: Pathogenic for CILIARY DYSKINESIA, PRIMARY, 44. Last evaluated: 2020-02-24. Review status: no assertion criteria provided. Collection method: literature only. Allele origin: germline. Not counted in ClinVar's aggregate classification.

Literature cited by the submitters: Chivukula, R. R., Montoro, D. T., Leung, H. M., Yang, J., Shamseldin, H. E., Taylor, M. S., Dougherty, G. W., Zariwala, M. A., Carson, J., Daniels, M. L. A., Sears, P. R., Black, K. E., and 9 others A human ciliopathy reveals essential functions for NEK10 in airway mucociliary clearance. Nature Med. 26: 244-251, 2020. Note: Erratum: Nature Med. 26: 300 only, 2020. (cited by OMIM).

NM_001394966.1(NEK10):c.1230+5G>C

Gene: NEK10 (NIMA related kinase 10; minus strand). Cytogenetic location: 3p24.1.
Variant type: single nucleotide variant.
Coding change: c.1230+5G>C on transcript NM_001394966.1 (MANE Select); 5 bases into the intron after coding-DNA position 1230, G replaced by C.
Molecular consequence: intron variant. On other transcripts: missense variant (1).
Genome position (GRCh38, 1-based): chr3:27,297,174, C>G on the plus strand (G>C on the coding strand, the complement: NEK10 is on the minus strand). VCF-style: chr3-27297174-C-G. GRCh37 (hg19) VCF-style: chr3-27338665-C-G.
Other names: IVS15DS, G-C, +5; c.1235G>C, p.Arg412Thr (NM_001394968.1); c.1143+5G>C (NM_001394969.1, NM_001394967.1, NM_001394964.1); c.1230+5G>C (NM_001394965.1, NM_001394963.1, NM_001394970.1 and 3 more transcripts); short protein forms R412T.
Identifiers: ClinVar variation 813278 (VCV000813278.3), dbSNP rs1253689023, ClinGen allele CA541728001.